The following is an entry in ClinVar:

ClinVar aggregate classification (germline): Likely benign. Review status: criteria provided, multiple submitters, no conflicts (2 of 4 stars). 3 submissions from 3 submitters: Likely benign (3). Last evaluated 2025-05-13.

Conditions:
Tuberous sclerosis 2 (TSC2). Identifiers: Orphanet 805, MedGen C1860707, MONDO:0013199, OMIM 613254.

Submissions (3):

Myriad Genetics, Inc.
Classification: Likely benign for Tuberous sclerosis 2. Last evaluated: 2025-05-13. Review status: criteria provided, single submitter. Criteria: Myriad Autosomal Dominant, Autosomal Recessive and X-Linked Classification Criteria (2023). Collection method: clinical testing. Allele origin: unknown.
Comment: This variant is considered likely benign. This variant is intronic and is not expected to impact mRNA splicing.

Blueprint Genetics
Classification: Likely benign. Last evaluated: 2024-08-28. Review status: criteria provided, single submitter. Criteria: ACMG Guidelines, 2015. Collection method: clinical testing. Allele origin: germline.

Labcorp Genetics (formerly Invitae), Labcorp
Classification: Likely benign for Tuberous sclerosis 2. Last evaluated: 2022-10-31. Review status: criteria provided, single submitter. Criteria: Invitae Variant Classification Sherloc (09022015). Collection method: clinical testing. Allele origin: germline.

NM_000548.5(TSC2):c.1361+8G>A

Gene: TSC2 (TSC complex subunit 2; plus strand). Cytogenetic location: 16p13.3.
Variant type: single nucleotide variant.
Coding change: c.1361+8G>A on transcript NM_000548.5 (MANE Select); 8 bases into the intron after coding-DNA position 1361, G replaced by A.
Molecular consequence: intron variant.
Genome position (GRCh38, 1-based): chr16:2,062,608, G>A. VCF-style: chr16-2062608-G-A. GRCh37 (hg19) VCF-style: chr16-2112609-G-A.
Other names: c.1361+8G>A (NM_001114382.3, NM_021055.3, NM_001370405.1 and 3 more transcripts); c.1250+8G>A (NM_001318827.2); c.761+8G>A (NM_001318831.2); c.1214+8G>A (NM_001318829.2); c.1394+8G>A (NM_001318832.2).
Identifiers: ClinVar variation 1145785 (VCV001145785.11), dbSNP rs1596306003, ClinGen allele CA2499223283.
Genomic context (GRCh38, chr16:2,062,608, plus strand): 5'-GCCAAGGACGGCTGGATTCAGAACCTGCAGGCGCTGATGGAGAGATTCTTCAGGTAGGGG[G>A]TCCTCTGTAGCCTTGCCTGGCACCTGGAGCCTGGCCCTGTCTCTGTCTGGGGCCCACCCG-3'